The following is an entry in ClinVar:

ClinVar aggregate classification (germline): Uncertain significance. Review status: criteria provided, multiple submitters, no conflicts (2 of 4 stars). 2 submissions from 2 submitters: Uncertain significance (2). Last evaluated 2026-01-24.

Conditions:
Hereditary cancer-predisposing syndrome. Also called: Tumor predisposition; Hereditary Cancer Syndrome; Hereditary neoplastic syndrome; Neoplastic Syndromes, Hereditary. Identifiers: Orphanet 140162, MedGen C0027672, MeSH D009386, MONDO:0015356.
Hereditary pheochromocytoma and paraganglioma. Also called: Hereditary paragangliomas and pheochromocytomas; Hereditary Paraganglioma-Pheochromocytoma Syndromes; Hereditary pheochromocytoma-paraganglioma. Identifiers: Orphanet 29072, MedGen C4274332, MONDO:0017366.

gnomAD v4.1: 8 of 1,614,040 alleles (0.0005%); highest among the groups gnomAD compares: Non-Finnish European, 0.00068%; no homozygotes.

Submissions (2):

Labcorp Genetics (formerly Invitae), Labcorp
Classification: Uncertain significance for Hereditary pheochromocytoma and paraganglioma. Last evaluated: 2026-01-24. Review status: criteria provided, single submitter. Criteria: Invitae Variant Classification Sherloc (09022015). Collection method: clinical testing. Allele origin: germline.
Comment: This sequence change replaces threonine, which is neutral and polar, with asparagine, which is neutral and polar, at codon 142 of the TMEM127 protein (p.Thr142Asn). This variant is not present in population databases (gnomAD no frequency). This variant has not been reported in the literature in individuals affected with TMEM127-related conditions. ClinVar contains an entry for this variant (Variation ID: 2062860). An algorithm developed to predict the effect of missense changes on protein structure and function (PolyPhen-2) suggests that this variant is likely to be disruptive. In summary, the available evidence is currently insufficient to determine the role of this variant in disease. Therefore, it has been classified as a Variant of Uncertain Significance.

Ambry Genetics
Classification: Uncertain significance for Hereditary cancer-predisposing syndrome. Last evaluated: 2025-09-25. Review status: criteria provided, single submitter. Criteria: Ambry Variant Classification Scheme 2023. Collection method: clinical testing. Allele origin: germline.

NM_017849.4(TMEM127):c.425C>A (p.Thr142Asn)

Gene: TMEM127 (transmembrane protein 127; minus strand). Cytogenetic location: 2q11.2.
Variant type: single nucleotide variant.
Coding change: c.425C>A on transcript NM_017849.4 (MANE Select); coding-DNA position 425, C replaced by A.
Protein change: p.Thr142Asn; replaces threonine 142 with asparagine.
Molecular consequence: missense variant.
Genome position (GRCh38, 1-based): chr2:96,254,100, G>T on the plus strand (C>A on the coding strand, the complement: TMEM127 is on the minus strand). VCF-style: chr2-96254100-G-T. GRCh37 (hg19) VCF-style: chr2-96919838-G-T.
Other names: c.425C>A, p.Thr142Asn (NM_001193304.3); c.173C>A, p.Thr58Asn (NM_001407282.1, NM_001407283.1); short protein forms T58N, T142N.
Identifiers: ClinVar variation 2062860 (VCV002062860.6), dbSNP rs2104285313, ClinGen allele CA347653137.
Genomic context (GRCh38, chr2:96,254,100, plus strand): 5'-TTATGCTGCTGCTGCTGGGCCAAGATGAGTTCAGAAGCCCAATAAGAAAAGCCAATGACG[G>T]TGGCACACTGCAGAACTAGGAGACAGAGGGACAGCACAGAAGGGGAATTAGTGAGCACTC-3'
Protein context (NP_060319.1, residues 132-152): AHILTVLQCA[Thr142Asn]VIGFSYWASE